The following is an entry in ClinVar:

ClinVar aggregate classification (germline): Uncertain significance. Review status: criteria provided, multiple submitters, no conflicts (2 of 4 stars). 3 submissions from 3 submitters: Uncertain significance (3). Last evaluated 2025-12-20.

Conditions:
Van Maldergem syndrome 2 (VMLDS2). Identifiers: Orphanet 314679, MedGen C3809875, MONDO:0014242, OMIM 615546.
Hennekam lymphangiectasia-lymphedema syndrome 2 (HKLLS2). Identifiers: Orphanet 2136, MedGen C4014939, MONDO:0014454, OMIM 616006.

Allele frequency attached by ClinVar (database versions not stated): gnomAD 0.00001; gnomAD exomes 0.00003 and 0.00005; TOPMed 0.00003; ExAC 0.00005.
gnomAD v4.1: 48 of 1,614,042 alleles (0.003%); highest among the groups gnomAD compares: Middle Eastern, 0.016%; no homozygotes.

Submissions (3):

Labcorp Genetics (formerly Invitae), Labcorp
Classification: Uncertain significance. Last evaluated: 2025-12-20. Review status: criteria provided, single submitter. Criteria: Invitae Variant Classification Sherloc (09022015). Collection method: clinical testing. Allele origin: germline.
Comment: This sequence change replaces glutamic acid, which is acidic and polar, with lysine, which is basic and polar, at codon 4899 of the FAT4 protein (p.Glu4899Lys). This variant is present in population databases (rs746119916, gnomAD 0.01%). This variant has not been reported in the literature in individuals affected with FAT4-related conditions. ClinVar contains an entry for this variant (Variation ID: 1307340). Invitae Evidence Modeling of protein sequence and biophysical properties (such as structural, functional, and spatial information, amino acid conservation, physicochemical variation, residue mobility, and thermodynamic stability) indicates that this missense variant is not expected to disrupt FAT4 protein function with a negative predictive value of 95%. In summary, the available evidence is currently insufficient to determine the role of this variant in disease. Therefore, it has been classified as a Variant of Uncertain Significance.

Fulgent Genetics
Classification: Uncertain significance for Van Maldergem syndrome 2; Hennekam lymphangiectasia-lymphedema syndrome 2. Last evaluated: 2024-05-02. Review status: criteria provided, single submitter. Criteria: ACMG Guidelines, 2015. Collection method: clinical testing. Allele origin: germline.

GeneDx
Classification: Uncertain significance. Last evaluated: 2019-07-29. Review status: criteria provided, single submitter. Criteria: GeneDx Variant Classification Process June 2021. Collection method: clinical testing. Allele origin: germline. Affected: yes.
Comment: Not observed at a significant frequency in large population cohorts (Lek et al., 2016); In silico analysis, which includes protein predictors and evolutionary conservation, supports that this variant does not alter protein structure/function; Has not been previously published as pathogenic or benign to our knowledge

NM_001291303.3(FAT4):c.14701G>A (p.Glu4901Lys)

Gene: FAT4 (FAT atypical cadherin 4; plus strand). Cytogenetic location: 4q28.1.
Variant type: single nucleotide variant.
Coding change: c.14701G>A on transcript NM_001291303.3 (MANE Select); coding-DNA position 14701, G replaced by A.
Protein change: p.Glu4901Lys; replaces glutamic acid 4901 with lysine.
Molecular consequence: missense variant.
Genome position (GRCh38, 1-based): chr4:125,491,517, G>A. VCF-style: chr4-125491517-G-A. GRCh37 (hg19) VCF-style: chr4-126412672-G-A.
Other names: c.14698G>A, p.Glu4900Lys (NM_001291285.3); c.14695G>A, p.Glu4899Lys (NM_024582.6); c.14695G>A (NM_024582.5); short protein forms E4899K, E4900K, E4901K.
Identifiers: ClinVar variation 1307340 (VCV001307340.8), dbSNP rs746119916, ClinGen allele CA3074611.